The following is an entry in ClinVar:

ClinVar aggregate classification (germline): Uncertain significance. Review status: criteria provided, multiple submitters, no conflicts (2 of 4 stars). 3 submissions from 3 submitters: Uncertain significance (3). Last evaluated 2025-09-16.

Conditions:
Monocytopenia with susceptibility to infections. Also called: MONOCYTOPENIA AND MYCOBACTERIAL INFECTION SYNDROME; MONOCYTOPENIA WITH SUSCEPTIBILITY TO MYCOBACTERIAL, FUNGAL, AND PAPILLOMAVIRUS INFECTIONS AND MYELODYSPLASIA; COMBINED IMMUNODEFICIENCY WITH SUSCEPTIBILITY TO MYCOBACTERIAL, VIRAL, AND FUNGAL INFECTIONS; Dendritic cell, monocyte, B lymphocyte, and natural killer lymphocyte deficiency; GATA2 DEFICIENCY; IMMUNODEFICIENCY 21. Identifiers: Orphanet 228423, MedGen C3280030, MONDO:0013607, OMIM 614172.
Deafness-lymphedema-leukemia syndrome. Also called: Lymphedema, primary, with myelodysplasia; Emberger syndrome. Identifiers: Orphanet 3226, MedGen C3279664, MONDO:0013540, OMIM 614038.
Inborn genetic diseases. Identifiers: MedGen C0950123, MeSH D030342.

Allele frequency attached by ClinVar (database versions not stated): gnomAD exomes 0.00001; TOPMed below 0.00001; ExAC 0.00002.
gnomAD v4.1: 4 of 1,613,924 alleles (0.00025%); highest among the groups gnomAD compares: Non-Finnish European, 0.00034%; no homozygotes.

Submissions (3):

Labcorp Genetics (formerly Invitae), Labcorp
Classification: Uncertain significance for Monocytopenia with susceptibility to infections; Deafness-lymphedema-leukemia syndrome. Last evaluated: 2025-09-16. Review status: criteria provided, single submitter. Criteria: Invitae Variant Classification Sherloc (09022015). Collection method: clinical testing. Allele origin: germline.
Comment: This sequence change replaces glycine, which is neutral and non-polar, with alanine, which is neutral and non-polar, at codon 172 of the GATA2 protein (p.Gly172Ala). This variant is present in population databases (rs768236530, gnomAD 0.002%). This variant has not been reported in the literature in individuals affected with GATA2-related conditions. ClinVar contains an entry for this variant (Variation ID: 1406136). Invitae Evidence Modeling of protein sequence and biophysical properties (such as structural, functional, and spatial information, amino acid conservation, physicochemical variation, residue mobility, and thermodynamic stability) indicates that this missense variant is not expected to disrupt GATA2 protein function with a negative predictive value of 95%. In summary, the available evidence is currently insufficient to determine the role of this variant in disease. Therefore, it has been classified as a Variant of Uncertain Significance.

Ambry Genetics
Classification: Uncertain significance for Inborn genetic diseases. Last evaluated: 2025-01-10. Review status: criteria provided, single submitter. Criteria: Ambry Variant Classification Scheme 2023. Collection method: clinical testing. Allele origin: germline.
Comment: The p.G172A variant (also known as c.515G>C), located in coding exon 2 of the GATA2 gene, results from a G to C substitution at nucleotide position 515. The glycine at codon 172 is replaced by alanine, an amino acid with similar properties. This amino acid position is conserved. In addition, the in silico prediction for this alteration is inconclusive. Based on the available evidence, the clinical significance of this variant remains unclear.

GeneDx
Classification: Uncertain significance. Last evaluated: 2023-03-05. Review status: criteria provided, single submitter. Criteria: GeneDx Variant Classification Process June 2021. Collection method: clinical testing. Allele origin: germline. Affected: yes.
Comment: Not observed at significant frequency in large population cohorts (gnomAD); In silico analysis supports that this missense variant does not alter protein structure/function; Has not been previously published as pathogenic or benign to our knowledge

NM_032638.5(GATA2):c.515G>C (p.Gly172Ala)

Gene: GATA2 (GATA binding protein 2; minus strand). Cytogenetic location: 3q21.3.
Variant type: single nucleotide variant.
Coding change: c.515G>C on transcript NM_032638.5 (MANE Select); coding-DNA position 515, G replaced by C.
Protein change: p.Gly172Ala; replaces glycine 172 with alanine.
Molecular consequence: missense variant.
Genome position (GRCh38, 1-based): chr3:128,486,083, C>G on the plus strand (G>C on the coding strand, the complement: GATA2 is on the minus strand). VCF-style: chr3-128486083-C-G. GRCh37 (hg19) VCF-style: chr3-128204926-C-G.
Other names: c.515G>C (NM_032638.4); c.515G>C, p.Gly172Ala (NM_001145661.2, NM_001145662.1); short protein forms G172A.
Identifiers: ClinVar variation 1406136 (VCV001406136.9), dbSNP rs768236530, ClinGen allele CA2600014.
Genomic context (GRCh38, chr3:128,486,083, plus strand): 5'-GACGCAGCCCCCGTGGTGCTAGGGTCAGGAGACACTTCTTTGGGTGGCGTGGGTGGGAAG[C>G]CGAAAAGGTGGGAGCCAGAGTGGGCTGCTGTAGGGGTGAGGGAGGCCACTGAGCTCCCGC-3'
Protein context (NP_116027.2, residues 162-182): TAAHSGSHLF[Gly172Ala]FPPTPPKEVS